The following is an entry in ClinVar:

ClinVar aggregate classification (germline): Pathogenic (1 of 4 stars; one submission).

Submission:

Labcorp Genetics (formerly Invitae), Labcorp
Classification: Pathogenic. Last evaluated: 2023-02-18. Review status: criteria provided, single submitter. Criteria: Invitae Variant Classification Sherloc (09022015). Collection method: clinical testing. Allele origin: germline.
Comment: For these reasons, this variant has been classified as Pathogenic. This variant has not been reported in the literature in individuals affected with POLE-related conditions. This variant is not present in population databases (gnomAD no frequency). This sequence change creates a premature translational stop signal (p.Val1177Leufs*8) in the POLE gene. It is expected to result in an absent or disrupted protein product. Loss-of-function variants in POLE are known to be pathogenic (PMID: 23230001, 25948378, 30503519).

Literature cited by the submitters: PubMed 23230001; PubMed 25948378; PubMed 30503519.

NM_006231.4(POLE):c.3529_3530del (p.Val1177fs)

Gene: POLE (DNA polymerase epsilon, catalytic subunit; minus strand). Cytogenetic location: 12q24.33.
Variant type: Deletion.
Coding change: c.3529_3530del on transcript NM_006231.4 (MANE Select); coding-DNA positions 3529 to 3530, 2 bases deleted (GT; older notation c.3529_3530delGT).
Protein change: p.Val1177fs; shifts the reading frame from valine 1177.
Molecular consequence: frameshift variant.
Genome position (GRCh38, 1-based): chr12:132,657,188-132,657,189, AC deleted on the plus strand (GT on the coding strand, the reverse complement: POLE is on the minus strand); deleting any 2 consecutive bases within chr12:132,657,188-132,657,190 gives the same sequence; the c. name uses the placement nearest the transcript's 3' end. VCF-style (leftmost placement, unchanged base first): chr12-132657187-GAC-G. GRCh37 (hg19) VCF-style: chr12-133233773-GAC-G.
Other names: short protein forms V1177fs.
Identifiers: ClinVar variation 2838577 (VCV002838577.3), dbSNP rs2541998903, ClinGen allele CA2739277430.